The following is an entry in ClinVar:

ClinVar aggregate classification (germline): Uncertain significance (1 of 4 stars; one submission).

Conditions:
Hereditary cancer-predisposing syndrome. Also called: Neoplastic Syndromes, Hereditary; Tumor predisposition; Hereditary Cancer Syndrome; Hereditary neoplastic syndrome. Identifiers: Orphanet 140162, MedGen C0027672, MeSH D009386, MONDO:0015356.

Submission:

Ambry Genetics
Classification: Uncertain significance for Hereditary cancer-predisposing syndrome. Last evaluated: 2024-05-24. Review status: criteria provided, single submitter. Criteria: Ambry Variant Classification Scheme 2023. Collection method: clinical testing. Allele origin: germline.
Comment: The c.-5delC variant is located in the 5' untranslated region (5&rsquo;UTR) of the MUTYH gene. This variant results in a deletion of a C five nucleotides upstream from the first translated codon. This nucleotide position is highly conserved in available vertebrate species. Based on the available evidence, the clinical significance of this variant remains unclear.

NM_001128425.2(MUTYH):c.-5del

Genes: MUTYH (mutY DNA glycosylase; minus strand), TOE1 (target of EGR1, exonuclease; plus strand). Cytogenetic location: 1p34.1.
Variant type: Deletion.
Coding change: c.-5del on transcript NM_001128425.2 (MANE Plus Clinical); 5 bases upstream of the start codon, one base deleted (C; older notation c.-5delC).
Molecular consequence: 5 prime UTR variant. On other transcripts: frameshift variant (1), non-coding transcript variant (3).
Genome position (GRCh38, 1-based): chr1:45,340,259, G deleted on the plus strand (C on the coding strand, the reverse complement: MUTYH is on the minus strand). VCF-style (leftmost placement, unchanged base first): chr1-45340258-CG-C. GRCh37 (hg19) VCF-style: chr1-45805930-CG-C.
Other names: c.7del, p.Ala3fs (NM_025077.4); c.-47del (NM_001048171.2); c.-5del (NM_001293190.2, NM_001407069.1, NM_001407073.1 and 1 more transcripts); c.-259del (NM_001293192.2); c.-318del (NM_001350650.2); c.-254del (NM_001350651.2); c.-63del (NM_001407070.1, NM_001407071.1); c.-43del (NM_001407072.1); short protein forms A3fs.
Identifiers: ClinVar variation 3297062 (VCV003297062.1).